The following is an entry in ClinVar:

ClinVar aggregate classification (germline): Likely benign. Review status: criteria provided, multiple submitters, no conflicts (2 of 4 stars). 5 submissions from 5 submitters: Likely benign (5). Last evaluated 2025-11-26.

Conditions:
Charcot-Marie-Tooth disease type 4. Also called: Charcot-Marie-Tooth, Type 4; Charcot-Marie-Tooth disease, type IV. Identifiers: Orphanet 64749, MedGen C4082197, MONDO:0018995.
Charcot-Marie-Tooth disease. Also called: Charcot-Marie-Tooth Hereditary Neuropathy; Charcot-Marie-Tooth Neuropathy. Identifiers: Orphanet 166, MedGen C0007959, MONDO:0015626.

Allele frequency attached by ClinVar (database versions not stated): gnomAD exomes 0.00003 and 0.00012; ExAC 0.00006; TOPMed 0.00010; gnomAD 0.00011; ESP Exome Variant Server 0.00015.
gnomAD v4.1: 197 of 1,613,186 alleles (0.012%); highest among the groups gnomAD compares: Non-Finnish European, 0.016%; no homozygotes.

Submissions (5):

Labcorp Genetics (formerly Invitae), Labcorp
Classification: Likely benign for Charcot-Marie-Tooth disease type 4. Last evaluated: 2025-11-26. Review status: criteria provided, single submitter. Criteria: Invitae Variant Classification Sherloc (09022015). Collection method: clinical testing. Allele origin: germline.

Mayo Clinic Laboratories, Mayo Clinic
Classification: Likely benign. Last evaluated: 2025-09-28. Review status: criteria provided, single submitter. Criteria: ACMG Guidelines, 2015. Collection method: clinical testing. Allele origin: germline. Observed: 1 variant allele.
Comment: BP4, BP7

CeGaT Center for Human Genetics Tuebingen
Classification: Likely benign. Last evaluated: 2022-02-01. Review status: criteria provided, single submitter. Criteria: CeGaT Center For Human Genetics Tuebingen Variant Classification Criteria Version 2. Collection method: clinical testing. Allele origin: germline. Affected: yes. Observed: 1 variant allele.

GeneDx
Classification: Likely benign. Last evaluated: 2018-05-04. Review status: criteria provided, single submitter. Criteria: GeneDx Variant Classification (06012015). Collection method: clinical testing. Allele origin: germline. Affected: yes.
Comment: This variant is considered likely benign or benign based on one or more of the following criteria: it is a conservative change, it occurs at a poorly conserved position in the protein, it is predicted to be benign by multiple in silico algorithms, and/or has population frequency not consistent with disease.

Molecular Genetics Laboratory, London Health Sciences Centre
Classification: Likely benign for Charcot-Marie-Tooth disease. Review status: criteria provided, single submitter. Criteria: ACMG Guidelines, 2015. Collection method: clinical testing. Allele origin: germline. Affected: yes.

NM_014845.6(FIG4):c.1305G>C (p.Val435=)

Gene: FIG4 (FIG4 phosphoinositide 5-phosphatase; plus strand). Cytogenetic location: 6q21.
Variant type: single nucleotide variant.
Coding change: c.1305G>C on transcript NM_014845.6 (MANE Select); coding-DNA position 1305, G replaced by C.
Protein change: p.Val435=; no amino-acid change (valine 435 retained).
Molecular consequence: synonymous variant.
Genome position (GRCh38, 1-based): chr6:109,762,124, G>C. VCF-style: chr6-109762124-G-C. GRCh37 (hg19) VCF-style: chr6-110083327-G-C.
Other names: p.Val435=.
Identifiers: ClinVar variation 668151 (VCV000668151.45), dbSNP rs145227623, ClinGen allele CA3956039.
Genomic context (GRCh38, chr6:109,762,124, plus strand): 5'-TTTTCTCATTCTTCCTTCTCTCCTCAGCAAGCTGTGTAATGTTCTTGATCGACTAAATGT[G>C]ATTGCAGAAAGTGTGGTGAAGAAAACAGGTTTCTTTGTAAACCGCCCTGATTCTTACTGT-3'
Protein context (NP_055660.1, residues 425-445): KLCNVLDRLN[Val435=]IAESVVKKTG